The following is an entry in ClinVar:

ClinVar aggregate classification (germline): Uncertain significance (1 of 4 stars; one submission).

gnomAD v4.1: 1 of 1,614,184 alleles (0.000062%); highest among the groups gnomAD compares: Non-Finnish European, 0.000085%; no homozygotes.

Submission:

CeGaT Center for Human Genetics Tuebingen
Classification: Uncertain significance. Last evaluated: 2025-11-01. Review status: criteria provided, single submitter. Criteria: CeGaT Center For Human Genetics Tuebingen Variant Classification Criteria Version 2. Collection method: clinical testing. Allele origin: germline. Affected: yes. Observed: 1 variant allele.
Comment: FSHR: PM2, BP4

NM_000145.4(FSHR):c.955G>A (p.Glu319Lys)

Gene: FSHR (follicle stimulating hormone receptor; minus strand). Cytogenetic location: 2p16.3.
Variant type: single nucleotide variant.
Coding change: c.955G>A on transcript NM_000145.4 (MANE Select); coding-DNA position 955, G replaced by A.
Protein change: p.Glu319Lys; replaces glutamic acid 319 with lysine.
Molecular consequence: missense variant.
Genome position (GRCh38, 1-based): chr2:48,963,866, C>T on the plus strand (G>A on the coding strand, the complement: FSHR is on the minus strand). VCF-style: chr2-48963866-C-T. GRCh37 (hg19) VCF-style: chr2-49191005-C-T.
Other names: c.877G>A, p.Glu293Lys (NM_181446.3); short protein forms E293K, E319K.
Identifiers: ClinVar variation 4534285 (VCV004534285.6).